The following is an entry in ClinVar:

ClinVar aggregate classification (germline): Uncertain significance (1 of 4 stars; one submission).

Conditions:
Arrhythmogenic right ventricular dysplasia 11. Also called: ARRHYTHMOGENIC RIGHT VENTRICULAR DYSPLASIA, FAMILIAL, 11; Arrhythmogenic Right Ventricular Dysplasia/Cardiomyopathy11; Arrhythmogenic right ventricular dysplasia 11 with mild palmoplantar keratoderma and woolly hair. Identifiers: MedGen C1864850, MONDO:0012506, OMIM 610476.

Submission:

Labcorp Genetics (formerly Invitae), Labcorp
Classification: Uncertain significance for Arrhythmogenic right ventricular dysplasia 11. Last evaluated: 2025-08-12. Review status: criteria provided, single submitter. Criteria: Invitae Variant Classification Sherloc (09022015). Collection method: clinical testing. Allele origin: germline.
Comment: This sequence change replaces alanine, which is neutral and non-polar, with aspartic acid, which is acidic and polar, at codon 13 of the DSC2 protein (p.Ala13Asp). This variant is not present in population databases (gnomAD no frequency). This variant has not been reported in the literature in individuals affected with DSC2-related conditions. An algorithm developed to predict the effect of missense changes on protein structure and function (PolyPhen-2) suggests that this variant is likely to be disruptive. In summary, the available evidence is currently insufficient to determine the role of this variant in disease. Therefore, it has been classified as a Variant of Uncertain Significance.

NM_024422.6(DSC2):c.38C>A (p.Ala13Asp)

Genes: DSC2 (desmocollin 2; minus strand), DSCAS (DSC1/DSC2 antisense RNA; plus strand). Cytogenetic location: 18q12.1.
Variant type: single nucleotide variant.
Coding change: c.38C>A on transcript NM_024422.6 (MANE Select); coding-DNA position 38, C replaced by A.
Protein change: p.Ala13Asp; replaces alanine 13 with aspartic acid.
Molecular consequence: missense variant.
Genome position (GRCh38, 1-based): chr18:31,101,934, G>T on the plus strand (C>A on the coding strand, the complement: DSC2 is on the minus strand). VCF-style: chr18-31101934-G-T. GRCh37 (hg19) VCF-style: chr18-28681897-G-T.
Other names: c.38C>A, p.Ala13Asp (NM_004949.5); short protein forms A13D.
Identifiers: ClinVar variation 4780237 (VCV004780237.1).